The following is an entry in ClinVar:

ClinVar aggregate classification (germline): Likely benign. Review status: criteria provided, multiple submitters, no conflicts (2 of 4 stars). 2 submissions from 2 submitters: Likely benign (2). Last evaluated 2025-05-07.

Conditions:
Propionic acidemia (PROP). Also called: GLYCINEMIA, KETOTIC; HYPERGLYCINEMIA WITH KETOACIDOSIS AND LEUKOPENIA; KETOTIC HYPERGLYCINEMIA. Identifiers: Orphanet 35, MedGen C0268579, MONDO:0011628, OMIM 606054, HP:0003571.

Allele frequency attached by ClinVar (database versions not stated): gnomAD exomes below 0.00001; TOPMed 0.00001.
gnomAD v4.1: 2 of 1,601,054 alleles (0.00012%); highest among the groups gnomAD compares: Non-Finnish European, 0.00017%; no homozygotes.

Submissions (2):

Labcorp Genetics (formerly Invitae), Labcorp
Classification: Likely benign for Propionic acidemia. Last evaluated: 2025-05-07. Review status: criteria provided, single submitter. Criteria: Invitae Variant Classification Sherloc (09022015). Collection method: clinical testing. Allele origin: germline.

GeneDx
Classification: Likely benign. Last evaluated: 2016-04-26. Review status: criteria provided, single submitter. Criteria: GeneDx Variant Classification (06012015). Collection method: clinical testing. Allele origin: germline. Affected: yes.
Comment: This variant is considered likely benign or benign based on one or more of the following criteria: it is a conservative change, it occurs at a poorly conserved position in the protein, it is predicted to be benign by multiple in silico algorithms, and/or has population frequency not consistent with disease.

NM_000282.4(PCCA):c.601-10G>A

Gene: PCCA (propionyl-CoA carboxylase subunit alpha; plus strand). Cytogenetic location: 13q32.3.
Variant type: single nucleotide variant.
Coding change: c.601-10G>A on transcript NM_000282.4 (MANE Select); 10 bases into the intron before coding-DNA position 601, G replaced by A.
Molecular consequence: intron variant.
Genome position (GRCh38, 1-based): chr13:100,235,832, G>A. VCF-style: chr13-100235832-G-A. GRCh37 (hg19) VCF-style: chr13-100888086-G-A.
Other names: c.601-10G>A (NM_001178004.2, NM_001352605.2, NM_001352606.2 and 1 more transcripts); c.-266-10G>A (NM_001352610.2, NM_001352611.2, NM_001352612.2); c.523-10G>A (NM_001127692.3, NM_001352607.2, NM_001352608.2).
Identifiers: ClinVar variation 385675 (VCV000385675.9), dbSNP rs903647084, ClinGen allele CA16606728.